The following is an entry in ClinVar:

NM_001243133.2(NLRP3):c.1647G>C (p.Leu549Phe)

Gene: NLRP3 (NLR family pyrin domain containing 3; plus strand). Cytogenetic location: 1q44.
Variant type: single nucleotide variant.
Coding change: c.1647G>C on transcript NM_001243133.2 (MANE Select); coding-DNA position 1647, G replaced by C.
Protein change: p.Leu549Phe; replaces leucine 549 with phenylalanine.
Molecular consequence: missense variant.
Genome position (GRCh38, 1-based): chr1:247,425,096, G>C. VCF-style: chr1-247425096-G-C. GRCh37 (hg19) VCF-style: chr1-247588398-G-C.
Other names: c.1647G>C, p.Leu549Phe (NM_001079821.3, NM_001127461.3, NM_001127462.3 and 1 more transcripts); c.1653G>C, p.Leu551Phe (NM_004895.5); short protein forms L549F, L551F.
Identifiers: ClinVar variation 5037461 (VCV005037461.1).

ClinVar aggregate classification (germline): Uncertain significance (1 of 4 stars; one submission).

Submission:

GeneDx
Classification: Uncertain significance. Last evaluated: 2026-04-20. Review status: criteria provided, single submitter. Criteria: GeneDx Variant Classification Process June 2021. Collection method: clinical testing. Allele origin: germline.
Comment: Not observed at significant frequency in large population cohorts (gnomAD); In silico analysis suggests that this missense variant does not alter protein structure/function; Has not been previously published as pathogenic or benign to our knowledge; Also known as p.(L549F); This variant is associated with the following publications: (PMID: 19302049)